The following is an entry in ClinVar:

NM_012079.6(DGAT1):c.610C>T (p.Leu204Phe)

Gene: DGAT1 (diacylglycerol O-acyltransferase 1; minus strand). Cytogenetic location: 8q24.3.
Variant type: single nucleotide variant.
Coding change: c.610C>T on transcript NM_012079.6 (MANE Select); coding-DNA position 610, C replaced by T.
Protein change: p.Leu204Phe; replaces leucine 204 with phenylalanine.
Molecular consequence: missense variant.
Genome position (GRCh38, 1-based): chr8:144,318,327, G>A on the plus strand (C>T on the coding strand, the complement: DGAT1 is on the minus strand). VCF-style: chr8-144318327-G-A. GRCh37 (hg19) VCF-style: chr8-145541990-G-A.
Other names: c.610C>T (NM_012079.4); short protein forms L204F.
Identifiers: ClinVar variation 1437496 (VCV001437496.6), dbSNP rs782559118, ClinGen allele CA4936946.
Genomic context (GRCh38, chr8:144,318,327, plus strand): 5'-TGGCCCTGGCCCTGCGGCACCATGAGTTGACGTCGCGGTAGGAGAAGAGCTTGAGGAAGA[G>A]GATGGTGTGCGCCATCAGCGCCAGCAGGGAGCCCACTGCAGGAGAGGTGGACTCAGGCCT-3'
Protein context (NP_036211.2, residues 194-214): SLLALMAHTI[Leu204Phe]FLKLFSYRDV

ClinVar aggregate classification (germline): Uncertain significance. Review status: criteria provided, multiple submitters, no conflicts (2 of 4 stars). 4 submissions from 4 submitters: Uncertain significance (4). Last evaluated 2022-10-04.

Conditions:
Inborn genetic diseases. Identifiers: MedGen C0950123, MeSH D030342.
Congenital diarrhea 7 with exudative enteropathy. Also called: Diarrhea 7. Identifiers: Orphanet 329242, MedGen C4014516, MONDO:0014375, OMIM 615863.

Allele frequency attached by ClinVar (database versions not stated): gnomAD 0.00001 and 0.00002; ExAC 0.00005; gnomAD exomes 0.00006.
gnomAD v4.1: 71 of 1,612,526 alleles (0.0044%); highest among the groups gnomAD compares: Middle Eastern, 0.15%; no homozygotes.

Submissions (4):

Labcorp Genetics (formerly Invitae), Labcorp
Classification: Uncertain significance. Last evaluated: 2022-10-04. Review status: criteria provided, single submitter. Criteria: Invitae Variant Classification Sherloc (09022015). Collection method: clinical testing. Allele origin: germline.
Comment: This sequence change replaces leucine, which is neutral and non-polar, with phenylalanine, which is neutral and non-polar, at codon 204 of the DGAT1 protein (p.Leu204Phe). This variant is present in population databases (rs782559118, gnomAD 0.01%). This variant has not been reported in the literature in individuals affected with DGAT1-related conditions. ClinVar contains an entry for this variant (Variation ID: 1437496). Advanced modeling of protein sequence and biophysical properties (such as structural, functional, and spatial information, amino acid conservation, physicochemical variation, residue mobility, and thermodynamic stability) performed at Invitae indicates that this missense variant is not expected to disrupt DGAT1 protein function. Algorithms developed to predict the effect of sequence changes on RNA splicing suggest that this variant may create or strengthen a splice site. In summary, the available evidence is currently insufficient to determine the role of this variant in disease. Therefore, it has been classified as a Variant of Uncertain Significance.

New York Genome Center
Classification: Uncertain significance for Congenital diarrhea 7 with exudative enteropathy. Last evaluated: 2021-07-09. Review status: criteria provided, single submitter. Criteria: NYGC Assertion Criteria 2020. Collection method: clinical testing. Allele origin: inherited. Observed: 1 heterozygote. Study: CSER-NYCKidSeq.

Ambry Genetics
Classification: Uncertain significance for Inborn genetic diseases. Last evaluated: 2021-07-06. Review status: criteria provided, single submitter. Criteria: Ambry Variant Classification Scheme 2023. Collection method: clinical testing. Allele origin: germline.

Breakthrough Genomics
Classification: Uncertain significance. Review status: criteria provided, single submitter. Criteria: ACMG Guidelines, 2015. Collection method: not provided. Allele origin: germline. Inheritance: Autosomal recessive inheritance. Affected: yes.